The following is an entry in ClinVar:

NM_176824.3(BBS7):c.2063A>G (p.Asn688Ser)

Gene: BBS7 (Bardet-Biedl syndrome 7; minus strand). Cytogenetic location: 4q27.
Variant type: single nucleotide variant.
Coding change: c.2063A>G on transcript NM_176824.3 (MANE Select); coding-DNA position 2063, A replaced by G.
Protein change: p.Asn688Ser; replaces asparagine 688 with serine.
Molecular consequence: missense variant.
Genome position (GRCh38, 1-based): chr4:121,825,945, T>C on the plus strand (A>G on the coding strand, the complement: BBS7 is on the minus strand). VCF-style: chr4-121825945-T-C. GRCh37 (hg19) VCF-style: chr4-122747100-T-C.
Other names: short protein forms N688S.
Identifiers: ClinVar variation 188236 (VCV000188236.18), dbSNP rs370656021, ClinGen allele CA241247.

ClinVar aggregate classification (germline): Uncertain significance. Review status: criteria provided, multiple submitters, no conflicts (2 of 4 stars). 7 submissions from 7 submitters: Uncertain significance (7). Last evaluated 2026-06-09.

Conditions:
BBS7-related disorder. Also called: BBS7-related condition.
Inborn genetic diseases. Identifiers: MedGen C0950123, MeSH D030342.
Bardet-Biedl syndrome (BBS). Identifiers: Orphanet 110, MedGen C0752166, MONDO:0015229.
Bardet-Biedl syndrome 7 (BBS7). Identifiers: Orphanet 110, MedGen C1859565, MONDO:0014435, OMIM 615984.

Allele frequency attached by ClinVar (database versions not stated): ExAC 0.00007; ESP Exome Variant Server 0.00008; TOPMed 0.00008; gnomAD 0.00011 and 0.00012.
gnomAD v4.1: 230 of 1,609,524 alleles (0.014%); highest among the groups gnomAD compares: Non-Finnish European, 0.018%; no homozygotes.

Submissions (7):

PreventionGenetics, part of Exact Sciences
Classification: Uncertain significance for BBS7-related condition. Last evaluated: 2026-06-09. Review status: criteria provided, single submitter. Criteria: ACMG Guidelines, 2015. Collection method: clinical testing. Allele origin: germline.
Comment: The BBS7 c.2063A>G variant is predicted to result in the amino acid substitution p.Asn688Ser. To our knowledge, this variant has not been reported in the literature. This variant is reported in 0.012% of alleles in individuals of European (Non-Finnish) descent in gnomAD. At this time, the clinical significance of this variant is uncertain due to the absence of conclusive functional and genetic evidence.

Labcorp Genetics (formerly Invitae), Labcorp
Classification: Uncertain significance for Bardet-Biedl syndrome. Last evaluated: 2022-09-27. Review status: criteria provided, single submitter. Criteria: Invitae Variant Classification Sherloc (09022015). Collection method: clinical testing. Allele origin: germline.
Comment: This sequence change replaces asparagine, which is neutral and polar, with serine, which is neutral and polar, at codon 688 of the BBS7 protein (p.Asn688Ser). This variant is present in population databases (rs370656021, gnomAD 0.01%). This variant has not been reported in the literature in individuals affected with BBS7-related conditions. ClinVar contains an entry for this variant (Variation ID: 188236). Advanced modeling of protein sequence and biophysical properties (such as structural, functional, and spatial information, amino acid conservation, physicochemical variation, residue mobility, and thermodynamic stability) performed at Invitae indicates that this missense variant is not expected to disrupt BBS7 protein function. In summary, the available evidence is currently insufficient to determine the role of this variant in disease. Therefore, it has been classified as a Variant of Uncertain Significance.

Blueprint Genetics
Classification: Uncertain significance. Last evaluated: 2022-08-10. Review status: criteria provided, single submitter. Criteria: ACMG Guidelines, 2015. Collection method: clinical testing. Allele origin: germline.

Fulgent Genetics
Classification: Uncertain significance for Bardet-Biedl syndrome 7. Last evaluated: 2022-05-10. Review status: criteria provided, single submitter. Criteria: ACMG Guidelines, 2015. Collection method: clinical testing. Allele origin: unknown.

Ambry Genetics
Classification: Uncertain significance for Inborn genetic diseases. Last evaluated: 2020-12-07. Review status: criteria provided, single submitter. Criteria: Ambry Variant Classification Scheme 2023. Collection method: clinical testing. Allele origin: germline.
Comment: The c.2063A>G (p.N688S) alteration is located in exon 19 (coding exon 19) of the BBS7 gene. This alteration results from a A to G substitution at nucleotide position 2063, causing the asparagine (N) at amino acid position 688 to be replaced by a serine (S). The p.N688S alteration is predicted to be tolerated by in silico analysis. Based on insufficient or conflicting evidence, the clinical significance of this alteration remains unclear.

Illumina Laboratory Services, Illumina
Classification: Uncertain significance for Bardet-Biedl syndrome 7. Last evaluated: 2018-01-13. Review status: criteria provided, single submitter. Criteria: ICSL Variant Classification Criteria 13 December 2019. Collection method: clinical testing. Allele origin: germline.

Eurofins Ntd Llc (ga)
Classification: Uncertain significance. Last evaluated: 2014-12-03. Review status: criteria provided, single submitter. Criteria: EGL Classification Definitions 2015. Collection method: clinical testing. Allele origin: germline.